The following is an entry in ClinVar:

NM_025179.4(PLXNA2):c.4685G>A (p.Arg1562Gln)

Gene: PLXNA2 (plexin A2; minus strand). Cytogenetic location: 1q32.2.
Variant type: single nucleotide variant.
Coding change: c.4685G>A on transcript NM_025179.4 (MANE Select); coding-DNA position 4685, G replaced by A.
Protein change: p.Arg1562Gln; replaces arginine 1562 with glutamine.
Molecular consequence: missense variant.
Genome position (GRCh38, 1-based): chr1:208,038,450, C>T on the plus strand (G>A on the coding strand, the complement: PLXNA2 is on the minus strand). VCF-style: chr1-208038450-C-T. GRCh37 (hg19) VCF-style: chr1-208211795-C-T.
Other names: short protein forms R1562Q.
Identifiers: ClinVar variation 3307904 (VCV003307904.3).

ClinVar aggregate classification (germline): Uncertain significance. Review status: criteria provided, multiple submitters, no conflicts (2 of 4 stars). 2 submissions from 2 submitters: Uncertain significance (2). Last evaluated 2025-11-20.

gnomAD v4.1: 14 of 1,613,996 alleles (0.00087%); highest among the groups gnomAD compares: Admixed American, 0.0033%; no homozygotes.

Submissions (2):

Labcorp Genetics (formerly Invitae), Labcorp
Classification: Uncertain significance. Last evaluated: 2025-11-20. Review status: criteria provided, single submitter. Criteria: Invitae Variant Classification Sherloc (09022015). Collection method: clinical testing. Allele origin: germline.
Comment: This sequence change replaces arginine, which is basic and polar, with glutamine, which is neutral and polar, at codon 1562 of the PLXNA2 protein (p.Arg1562Gln). This variant is present in population databases (rs769442977, gnomAD 0.003%). This variant has not been reported in the literature in individuals affected with PLXNA2-related conditions. ClinVar contains an entry for this variant (Variation ID: 3307904). Invitae Evidence Modeling of protein sequence and biophysical properties (such as structural, functional, and spatial information, amino acid conservation, physicochemical variation, residue mobility, and thermodynamic stability) indicates that this missense variant is not expected to disrupt PLXNA2 protein function with a negative predictive value of 80%. In summary, the available evidence is currently insufficient to determine the role of this variant in disease. Therefore, it has been classified as a Variant of Uncertain Significance.

Ambry Genetics
Classification: Uncertain significance. Last evaluated: 2024-03-28. Review status: criteria provided, single submitter. Criteria: Ambry Variant Classification Scheme 2023. Collection method: clinical testing. Allele origin: germline.